The following is an entry in ClinVar:

NM_002471.4(MYH6):c.3601_3605del (p.Ser1201fs)

Gene: MYH6 (myosin heavy chain 6; minus strand). Cytogenetic location: 14q11.2.
Variant type: Deletion.
Coding change: c.3601_3605del on transcript NM_002471.4 (MANE Select); coding-DNA positions 3601 to 3605, 5 bases deleted (AGCGT; older notation c.3601_3605delAGCGT).
Protein change: p.Ser1201fs; shifts the reading frame from serine 1201.
Molecular consequence: frameshift variant.
Genome position (GRCh38, 1-based): chr14:23,390,184-23,390,188, ACGCT deleted on the plus strand (AGCGT on the coding strand, the reverse complement: MYH6 is on the minus strand). VCF-style (leftmost placement, unchanged base first): chr14-23390183-CACGCT-C. GRCh37 (hg19) VCF-style: chr14-23859392-CACGCT-C.
Other names: c.3601_3605del5 (NM_002471.3); short protein forms S1201fs.
Identifiers: ClinVar variation 1733103 (VCV001733103.3), dbSNP rs2502159454, ClinGen allele CA2580087881.

ClinVar aggregate classification (germline): Uncertain significance. Review status: criteria provided, multiple submitters, no conflicts (2 of 4 stars). 2 submissions from 2 submitters: Uncertain significance (2). Last evaluated 2026-08-14.

Conditions:
MYH6-related disorder. Also called: MYH6-Related Disorders; MYH6-related condition.
Cardiovascular phenotype. Identifiers: MedGen CN230736.

Submissions (2):

PreventionGenetics, part of Exact Sciences
Classification: Uncertain significance for MYH6-related condition. Last evaluated: 2026-08-14. Review status: criteria provided, single submitter. Criteria: ACMG Guidelines, 2015. Collection method: clinical testing. Allele origin: germline.
Comment: The MYH6 c.3601_3605del5 variant is predicted to result in a frameshift and premature protein termination (p.Ser1201Glyfs*30). To our knowledge, this variant has not been reported in the literature or in a large population database (gnomAD), indicating this variant is rare. Loss-of-function has not been conclusively established as a mechanism for MYH6-related disorders. At this time, the clinical significance of this variant is uncertain due to the absence of conclusive functional and genetic evidence.

Ambry Genetics
Classification: Uncertain significance for Cardiovascular phenotype. Last evaluated: 2021-11-17. Review status: criteria provided, single submitter. Criteria: Ambry Variant Classification Scheme 2023. Collection method: clinical testing. Allele origin: germline.
Comment: The c.3601_3605delAGCGT variant, located in coding exon 24 of the MYH6 gene, results from a deletion of 5 nucleotides at nucleotide positions 3601 to 3605, causing a translational frameshift with a predicted alternate stop codon (p.S1201Gfs*30). This alteration is expected to result in premature protein truncation or nonsense-mediated mRNA decay. However, loss of function of MYH6 has not been clearly established as a mechanism of disease. Since supporting evidence is limited at this time, the clinical significance of this alteration remains unclear.